The following is an entry in ClinVar:

NM_007294.4(BRCA1):c.548-721C>G

Gene: BRCA1 (BRCA1 DNA repair associated; minus strand). Cytogenetic location: 17q21.31.
Variant type: single nucleotide variant.
Coding change: c.548-721C>G on transcript NM_007294.4 (MANE Select); 721 bases into the intron before coding-DNA position 548, C replaced by G.
Molecular consequence: intron variant.
Genome position (GRCh38, 1-based): chr17:43,098,010, G>C on the plus strand (C>G on the coding strand, the complement: BRCA1 is on the minus strand). VCF-style: chr17-43098010-G-C. GRCh37 (hg19) VCF-style: chr17-41250027-G-C.
Other names: IVS 8-721C>G; c.407-721C>G (NM_001408458.1, NM_001408469.1, NM_001408453.1 and 43 more transcripts); c.-218-3150C>G (NM_001407967.1, NM_001407966.1); c.167-721C>G (NM_001407959.1, NM_001408510.1, NM_001407963.1 and 1 more transcripts); c.403+1765C>G (NM_001407931.1, NM_001407932.1, NM_001408503.1 and 6 more transcripts); c.404-721C>G (NM_001407747.1, NM_001408470.1, NM_001407848.1 and 26 more transcripts); c.164-721C>G (NM_001407962.1); c.166+1765C>G (NM_001408512.1, NM_001407965.1); and 15 more.
Identifiers: ClinVar variation 209454 (VCV000209454.2), dbSNP rs799918, ClinGen allele CA276425.

ClinVar aggregate classification (germline): Benign (3 of 4 stars; one submission).

Conditions:
Breast-ovarian cancer, familial, susceptibility to, 1 (BROVCA1). Also called: BRCA1 Hereditary Breast and Ovarian Cancer; OVARIAN CANCER, SUSCEPTIBILITY TO. Identifiers: Orphanet 145, MedGen C2676676, MONDO:0011450, OMIM 604370. Disease mechanism: loss of function.

Allele frequency attached by ClinVar (database versions not stated): gnomAD 0.08083 and 0.08681; 1000 Genomes Project 0.08427; 1000 Genomes Project 30x 0.08916; TOPMed 0.09097.
gnomAD v4.1: 11,994 of 150,006 alleles (8%); highest among the groups gnomAD compares: African/African-American, 28%; 1,629 homozygotes.

Submission:

Evidence-based Network for the Interpretation of Germline Mutant Alleles (ENIGMA)
Classification: Benign for Breast-ovarian cancer, familial 1. Last evaluated: 2015-01-12. Review status: reviewed by expert panel. Criteria: ENIGMA BRCA1/2 Classification Criteria (2015). Collection method: curation. Allele origin: germline.
Comment: Class 1 not pathogenic based on frequency >1% in an outbred sampleset. Frequency 0.313 (African), derived from 1000 genomes (2012-04-30).